The following is an entry in ClinVar:

NM_003489.4(NRIP1):c.588T>A (p.Asp196Glu)

Gene: NRIP1 (nuclear receptor interacting protein 1; minus strand). Cytogenetic location: 21q11.2.
Variant type: single nucleotide variant.
Coding change: c.588T>A on transcript NM_003489.4 (MANE Select); coding-DNA position 588, T replaced by A.
Protein change: p.Asp196Glu; replaces aspartic acid 196 with glutamic acid.
Molecular consequence: missense variant.
Genome position (GRCh38, 1-based): chr21:14,967,605, A>T on the plus strand (T>A on the coding strand, the complement: NRIP1 is on the minus strand). VCF-style: chr21-14967605-A-T. GRCh37 (hg19) VCF-style: chr21-16339926-A-T.
Other names: short protein forms D196E.
Identifiers: ClinVar variation 3061374 (VCV003061374.2), dbSNP rs2516291989, ClinGen allele CA409831966.

ClinVar aggregate classification (germline): Uncertain significance (0 of 4 stars; one submission).

Conditions:
NRIP1-related disorder. Also called: NRIP1-related condition.

Submission:

PreventionGenetics, part of Exact Sciences
Classification: Uncertain significance for NRIP1-related condition. Last evaluated: 2024-02-22. Review status: no assertion criteria provided. Collection method: clinical testing. Allele origin: germline.
Comment: The NRIP1 c.588T>A variant is predicted to result in the amino acid substitution p.Asp196Glu. To our knowledge, this variant has not been reported in the literature or in a large population database, indicating this variant is rare. At this time, the clinical significance of this variant is uncertain due to the absence of conclusive functional and genetic evidence.